The following is an entry in ClinVar:

NM_014629.4(ARHGEF10):c.665C>G (p.Ser222Ter)

Gene: ARHGEF10 (Rho guanine nucleotide exchange factor 10; plus strand). Cytogenetic location: 8p23.3.
Variant type: single nucleotide variant.
Coding change: c.665C>G on transcript NM_014629.4 (MANE Select); coding-DNA position 665, C replaced by G.
Protein change: p.Ser222Ter; replaces serine 222 with a stop codon.
Molecular consequence: nonsense.
Genome position (GRCh38, 1-based): chr8:1,869,236, C>G. VCF-style: chr8-1869236-C-G. GRCh37 (hg19) VCF-style: chr8-1817402-C-G.
Other names: c.668C>G, p.Ser223Ter (NM_001308152.2, NM_001308153.3); short protein forms S223*, S247*, S222*.
Identifiers: ClinVar variation 2992569 (VCV002992569.4), dbSNP rs1355703904, ClinGen allele CA369957549.
Genomic context (GRCh38, chr8:1,869,236, plus strand): 5'-TCTCCCCGTTTATTGCAGATCCAGAGGAAGCAATTTACGATGACGTTCCAAGGGAAAACT[C>G]AGACTCTGAACCAGGTTTGATTTTGTCTGGAATTGATTTGAGGAGATTCAGCTCAGCAGC-3'

ClinVar aggregate classification (germline): Uncertain significance. Review status: criteria provided, multiple submitters, no conflicts (2 of 4 stars). 2 submissions from 2 submitters: Uncertain significance (2). Last evaluated 2026-02-16.

Allele frequency attached by ClinVar (database versions not stated): gnomAD exomes below 0.00001; TOPMed below 0.00001; gnomAD 0.00001.
gnomAD v4.1: 7 of 1,613,856 alleles (0.00043%); highest among the groups gnomAD compares: East Asian, 0.0022%; no homozygotes.

Submissions (2):

Women's Health and Genetics/Laboratory Corporation of America, LabCorp
Classification: Uncertain significance. Last evaluated: 2026-02-16. Review status: criteria provided, single submitter. Criteria: LabCorp Variant Classification Summary - May 2015. Collection method: clinical testing. Allele origin: germline.
Comment: Variant summary: ARHGEF10 c.665C>G (p.Ser222X) results in a premature termination codon, predicted to cause a truncation of the encoded protein or absence of the protein due to nonsense mediated decay, however current evidence is not sufficient to establish loss of function as a mechanism for disease. The variant was absent in 251466 control chromosomes. The available data on variant occurrences in the general population are insufficient to allow any conclusion about variant significance. To our knowledge, no occurrence of c.665C>G in individuals affected with ARHGEF10-related conditions and no experimental evidence demonstrating its impact on protein function have been reported. ClinVar contains an entry for this variant (Variation ID: 2992569). Based on the evidence outlined above, the variant was classified as uncertain significance.

Labcorp Genetics (formerly Invitae), Labcorp
Classification: Uncertain significance. Last evaluated: 2023-10-29. Review status: criteria provided, single submitter. Criteria: Invitae Variant Classification Sherloc (09022015). Collection method: clinical testing. Allele origin: germline.
Comment: This sequence change creates a premature translational stop signal (p.Ser222*) in the ARHGEF10 gene. It is expected to result in an absent or disrupted protein product. However, the current clinical and genetic evidence is not sufficient to establish whether loss-of-function variants in ARHGEF10 cause disease. This variant is not present in population databases (gnomAD no frequency). This variant has not been reported in the literature in individuals affected with ARHGEF10-related conditions. In summary, the available evidence is currently insufficient to determine the role of this variant in disease. Therefore, it has been classified as a Variant of Uncertain Significance.